The following is an entry in ClinVar:

ClinVar aggregate classification (germline): Uncertain significance (1 of 4 stars; one submission).

Submission:

Labcorp Genetics (formerly Invitae), Labcorp
Classification: Uncertain significance. Last evaluated: 2025-09-24. Review status: criteria provided, single submitter. Criteria: Invitae Variant Classification Sherloc (09022015). Collection method: clinical testing. Allele origin: germline.
Comment: This sequence change replaces methionine, which is neutral and non-polar, with leucine, which is neutral and non-polar, at codon 1212 of the POLE protein (p.Met1212Leu). This variant is not present in population databases (gnomAD no frequency). This variant has not been reported in the literature in individuals affected with POLE-related conditions. Invitae Evidence Modeling of protein sequence and biophysical properties (such as structural, functional, and spatial information, amino acid conservation, physicochemical variation, residue mobility, and thermodynamic stability) indicates that this missense variant is not expected to disrupt POLE protein function with a negative predictive value of 80%. In summary, the available evidence is currently insufficient to determine the role of this variant in disease. Therefore, it has been classified as a Variant of Uncertain Significance.

NM_006231.4(POLE):c.3634A>C (p.Met1212Leu)

Gene: POLE (DNA polymerase epsilon, catalytic subunit; minus strand). Cytogenetic location: 12q24.33.
Variant type: single nucleotide variant.
Coding change: c.3634A>C on transcript NM_006231.4 (MANE Select); coding-DNA position 3634, A replaced by C.
Protein change: p.Met1212Leu; replaces methionine 1212 with leucine.
Molecular consequence: missense variant.
Genome position (GRCh38, 1-based): chr12:132,649,838, T>G on the plus strand (A>C on the coding strand, the complement: POLE is on the minus strand). VCF-style: chr12-132649838-T-G. GRCh37 (hg19) VCF-style: chr12-133226424-T-G.
Other names: short protein forms M1212L.
Identifiers: ClinVar variation 4706058 (VCV004706058.1).